The following is an entry in ClinVar:

NM_001365536.1(SCN9A):c.2834T>C (p.Leu945Pro)

Genes: SCN1A-AS1 (SCN1A and SCN9A antisense RNA 1; plus strand), SCN9A (sodium voltage-gated channel alpha subunit 9; minus strand). Cytogenetic location: 2q24.3.
Variant type: single nucleotide variant.
Coding change: c.2834T>C on transcript NM_001365536.1 (MANE Select); coding-DNA position 2834, T replaced by C.
Protein change: p.Leu945Pro; replaces leucine 945 with proline.
Molecular consequence: missense variant.
Genome position (GRCh38, 1-based): chr2:166,277,023, A>G on the plus strand (T>C on the coding strand, the complement: SCN9A is on the minus strand). VCF-style: chr2-166277023-A-G. GRCh37 (hg19) VCF-style: chr2-167133533-A-G.
Other names: c.2801T>C, p.Leu934Pro (NM_002977.4); short protein forms L934P, L945P.
Identifiers: ClinVar variation 657972 (VCV000657972.11), dbSNP rs751656218, ClinGen allele CA1944198.

ClinVar aggregate classification (germline): Uncertain significance (1 of 4 stars; one submission).

Conditions:
Generalized epilepsy with febrile seizures plus, type 7 (GEFSP7). Also called: GEFS+, TYPE 7. Identifiers: Orphanet 36387, MedGen C2751778, MONDO:0013470, OMIM 613863.
Neuropathy, hereditary sensory and autonomic, type 2A (HSAN2A). Also called: WNK1-Related HSAN2 (HSAN2A); MORVAN DISEASE; NEUROPATHY, CONGENITAL SENSORY; NEUROPATHY, HEREDITARY SENSORY RADICULAR, AUTOSOMAL RECESSIVE; NEUROPATHY, HEREDITARY SENSORY, TYPE IIA; NEUROPATHY, PROGRESSIVE SENSORY, OF CHILDREN. Identifiers: Orphanet 970, MedGen C2752089, MONDO:0024309, OMIM 201300.

Allele frequency attached by ClinVar (database versions not stated): ExAC 0.00001; gnomAD 0.00001; TOPMed 0.00001.
gnomAD v4.1: 1 of 1,613,886 alleles (0.000062%); highest among the groups gnomAD compares: African/African-American, 0.0013%; no homozygotes.

Submission:

Labcorp Genetics (formerly Invitae), Labcorp
Classification: Uncertain significance for Neuropathy, hereditary sensory and autonomic, type 2A; Generalized epilepsy with febrile seizures plus, type 7. Last evaluated: 2024-03-25. Review status: criteria provided, single submitter. Criteria: Invitae Variant Classification Sherloc (09022015). Collection method: clinical testing. Allele origin: germline.
Comment: This sequence change replaces leucine, which is neutral and non-polar, with proline, which is neutral and non-polar, at codon 934 of the SCN9A protein (p.Leu934Pro). This variant is present in population databases (rs751656218, gnomAD 0.0009%). This variant has not been reported in the literature in individuals affected with SCN9A-related conditions. ClinVar contains an entry for this variant (Variation ID: 657972). Advanced modeling of protein sequence and biophysical properties (such as structural, functional, and spatial information, amino acid conservation, physicochemical variation, residue mobility, and thermodynamic stability) has been performed at Invitae for this missense variant, however the output from this modeling did not meet the statistical confidence thresholds required to predict the impact of this variant on SCN9A protein function. In summary, the available evidence is currently insufficient to determine the role of this variant in disease. Therefore, it has been classified as a Variant of Uncertain Significance.